The following is an entry in ClinVar:

ClinVar aggregate classification (germline): Pathogenic. Review status: criteria provided, multiple submitters, no conflicts (2 of 4 stars). 4 submissions from 4 submitters: Pathogenic (4). Last evaluated 2025-02-03.

Conditions:
Lethal Kniest-like syndrome (DDSH). Also called: Dyssegmental Dysplasia. Identifiers: Orphanet 1865, MedGen C1857100, MONDO:0009140, OMIM 224410.

Allele frequency attached by ClinVar (database versions not stated): ExAC 0.00001; gnomAD exomes 0.00001; TOPMed 0.00001; gnomAD 0.00002.
gnomAD v4.1: 20 of 1,614,050 alleles (0.0012%); highest among the groups gnomAD compares: Admixed American, 0.0017%; no homozygotes.

Submissions (4):

GeneDx
Classification: Pathogenic. Last evaluated: 2025-02-03. Review status: criteria provided, single submitter. Criteria: GeneDx Variant Classification Process June 2021. Collection method: clinical testing. Allele origin: germline. Affected: yes.
Comment: Nonsense variant predicted to result in protein truncation or nonsense mediated decay in a gene for which loss of function is a known mechanism of disease; Not observed at significant frequency in large population cohorts (gnomAD); This variant is associated with the following publications: (PMID: 38285320, 31980526, 29620724)

3billion
Classification: Pathogenic for Lethal Kniest-like syndrome. Last evaluated: 2022-09-01. Review status: criteria provided, single submitter. Criteria: ACMG Guidelines, 2015. Collection method: clinical testing. Allele origin: germline. Affected: yes. Observed: 1 heterozygote.
Comment: The variant is observed at an extremely low frequency in the gnomAD v2.1.1 dataset (total allele frequency: 0.001%). Stop-gained (nonsense) is predicted to result in a loss or disruption of normal protein function through nonsense-mediated decay (NMD) or protein truncation. Multiple pathogenic variants are reported downstream of the variant. The variant has been reported at least twice as pathogenic without evidence for the classification (ClinVar ID: VCV000284213 / PMID: 29620724 / 3billion dataset). Therefore, this variant is classified as Pathogenic according to the recommendation of ACMG/AMP guideline.

Revvity Omics, Revvity
Classification: Pathogenic. Last evaluated: 2019-02-13. Review status: criteria provided, single submitter. Criteria: ACMG Guidelines, 2015. Collection method: clinical testing. Allele origin: germline.

Eurofins Ntd Llc (ga)
Classification: Pathogenic. Last evaluated: 2015-10-30. Review status: criteria provided, single submitter. Criteria: EGL Classification Definitions 2015. Collection method: clinical testing. Allele origin: germline. Observed: 1 variant allele, 1 homozygote.

Literature cited by the submitters: PubMed 29620724 (cited by 3billion).

NM_005529.7(HSPG2):c.10894C>T (p.Arg3632Ter)

Gene: HSPG2 (heparan sulfate proteoglycan 2; minus strand). Cytogenetic location: 1p36.12.
Variant type: single nucleotide variant.
Coding change: c.10894C>T on transcript NM_005529.7 (MANE Select); coding-DNA position 10894, C replaced by T.
Protein change: p.Arg3632Ter; replaces arginine 3632 with a stop codon.
Molecular consequence: nonsense.
Genome position (GRCh38, 1-based): chr1:21,833,551, G>A on the plus strand (C>T on the coding strand, the complement: HSPG2 is on the minus strand). VCF-style: chr1-21833551-G-A. GRCh37 (hg19) VCF-style: chr1-22160044-G-A.
Other names: c.10897C>T, p.Arg3633Ter (NM_001291860.2); short protein forms R3632*, R3633*.
Identifiers: ClinVar variation 284213 (VCV000284213.11), dbSNP rs762281715, ClinGen allele CA669988.